The following is an entry in ClinVar:

ClinVar aggregate classification (germline): Likely benign. Review status: criteria provided, multiple submitters, no conflicts (2 of 4 stars). 2 submissions from 2 submitters: Likely benign (2). Last evaluated 2026-05-06.

Conditions:
AARS1-related disorder. Also called: AARS1-related condition.
Charcot-Marie-Tooth disease type 2. Also called: Charcot-Marie-Tooth type 2. Identifiers: Orphanet 64746, MedGen C0270914, MONDO:0018993.

Allele frequency attached by ClinVar (database versions not stated): gnomAD 0.00001; gnomAD exomes 0.00001; TOPMed 0.00001; ExAC 0.00002.
gnomAD v4.1: 5 of 1,600,710 alleles (0.00031%); highest among the groups gnomAD compares: Admixed American, 0.0017%; no homozygotes.

Submissions (2):

PreventionGenetics, part of Exact Sciences
Classification: Likely benign for AARS1-related condition. Last evaluated: 2026-05-06. Review status: criteria provided, single submitter. Criteria: ACMG Guidelines, 2015. Collection method: clinical testing. Allele origin: germline.
Comment: This variant is classified as likely benign based on ACMG/AMP sequence variant interpretation guidelines (Richards et al. 2015 PMID: 25741868, with internal and published modifications).

Labcorp Genetics (formerly Invitae), Labcorp
Classification: Likely benign for Charcot-Marie-Tooth disease type 2. Last evaluated: 2026-01-28. Review status: criteria provided, single submitter. Criteria: Invitae Variant Classification Sherloc (09022015). Collection method: clinical testing. Allele origin: germline.

NM_001605.3(AARS1):c.2017C>T (p.Leu673=)

Gene: AARS1 (alanyl-tRNA synthetase 1; minus strand). Cytogenetic location: 16q22.1.
Variant type: single nucleotide variant.
Coding change: c.2017C>T on transcript NM_001605.3 (MANE Select); coding-DNA position 2017, C replaced by T.
Protein change: p.Leu673=; no amino-acid change (leucine 673 retained).
Molecular consequence: synonymous variant.
Genome position (GRCh38, 1-based): chr16:70,258,193, G>A on the plus strand (C>T on the coding strand, the complement: AARS1 is on the minus strand). VCF-style: chr16-70258193-G-A. GRCh37 (hg19) VCF-style: chr16-70292096-G-A.
Other names: c.2017C>T (NM_001605.2).
Identifiers: ClinVar variation 1130079 (VCV001130079.10), dbSNP rs762839576, ClinGen allele CA8140586.